The following is an entry in ClinVar:

ClinVar aggregate classification (germline): Likely pathogenic (1 of 4 stars; one submission).

Conditions:
Developmental and epileptic encephalopathy, 39 (DEE39). Also called: DEVELOPMENTAL AND EPILEPTIC ENCEPHALOPATHY 39 WITH LEUKODYSTROPHY. Identifiers: Orphanet 353217, MedGen C2751855, MONDO:0013056, OMIM 612949.

Submission:

Institute of Human Genetics, University of Leipzig Medical Center
Classification: Likely pathogenic for Developmental and epileptic encephalopathy, 39. Last evaluated: 2019-01-01. Review status: criteria provided, single submitter. Criteria: ACMG Guidelines, 2015. Collection method: clinical testing. Allele origin: unknown. Affected: yes.
Comment: This variant was identified as compound heterozygous.

NM_003705.5(SLC25A12):c.225del (p.Glu76fs)

Gene: SLC25A12 (solute carrier family 25 member 12; minus strand). Cytogenetic location: 2q31.1.
Variant type: Deletion.
Coding change: c.225del on transcript NM_003705.5 (MANE Select); coding-DNA position 225, one base deleted (A; older notation c.225delA).
Protein change: p.Glu76fs; shifts the reading frame from glutamic acid 76.
Molecular consequence: frameshift variant.
Genome position (GRCh38, 1-based): chr2:171,855,934, T deleted on the plus strand (A on the coding strand, the reverse complement: SLC25A12 is on the minus strand); the first of 2 consecutive T bases (chr2:171,855,934-171,855,935); deleting either gives the same sequence. VCF-style (leftmost placement, unchanged base first): chr2-171855933-CT-C. GRCh37 (hg19) VCF-style: chr2-172712443-CT-C.
Other names: short protein forms E76fs.
Identifiers: ClinVar variation 982872 (VCV000982872.1), dbSNP rs1685036155, ClinGen allele CA1139657347.